The following is an entry in ClinVar:

ClinVar aggregate classification (germline): Uncertain significance (1 of 4 stars; one submission).

Allele frequency attached by ClinVar (database versions not stated): gnomAD exomes 0.00001.
gnomAD v4.1: 7 of 1,613,932 alleles (0.00043%); highest among the groups gnomAD compares: Non-Finnish European, 0.00059%; no homozygotes.

Submission:

Laboratory for Molecular Medicine, Mass General Brigham Personalized Medicine
Classification: Uncertain significance. Last evaluated: 2016-03-29. Review status: criteria provided, single submitter. Criteria: LMM Criteria. Collection method: clinical testing. Allele origin: germline.
Comment: Variant identified in a genome or exome case(s) and assessed due to predicted null impact of the variant or pathogenic assertions in the literature or databases. Disclaimer: This variant has not undergone full assessment. The following are preliminary notes: Large deletion encompassing this gene and 4 others has been reported in patient with Cleft lip and palate, syndromic & neuro-psychomotor developmental delay. Impact of missense variant in the gene is unclear.

NM_030782.5(CLPTM1L):c.220G>C (p.Val74Leu)

Gene: CLPTM1L (CLPTM1 like). Cytogenetic location: 5p15.33.
Variant type: single nucleotide variant.
Coding change: c.220G>C on transcript NM_030782.5 (MANE Select); coding-DNA position 220, G replaced by C.
Protein change: p.Val74Leu; replaces valine 74 with leucine.
Molecular consequence: missense variant.
Genome position (GRCh38, 1-based): chr5:1,344,394, C>G on the plus strand (G>C on the coding strand, the complement: CLPTM1L is on the minus strand). VCF-style: chr5-1344394-C-G. GRCh37 (hg19) VCF-style: chr5-1344509-C-G.
Other names: short protein forms V74L.
Identifiers: ClinVar variation 402547 (VCV000402547.4), dbSNP rs200649005, ClinGen allele CA16609726.
Genomic context (GRCh38, chr5:1,344,394, plus strand): 5'-TTGTCCTACGCCCATACCTTTCAAATTTGGACTCCACATCAAAGTCTTCCACATTCAAGA[C>G]CAGGTCGATGTTGTTCTCAGCACCCAGGTGGGACCTCGTCGTGGTGTACACGCTCAGCTG-3'
Protein context (NP_110409.2, residues 64-84): HLGAENNIDL[Val74Leu]LNVEDFDVES